The following is an entry in ClinVar:

NM_000548.5(TSC2):c.3209C>G (p.Thr1070Arg)

Gene: TSC2 (TSC complex subunit 2; plus strand). Cytogenetic location: 16p13.3.
Variant type: single nucleotide variant.
Coding change: c.3209C>G on transcript NM_000548.5 (MANE Select); coding-DNA position 3209, C replaced by G.
Protein change: p.Thr1070Arg; replaces threonine 1070 with arginine.
Molecular consequence: missense variant. On other transcripts: non-coding transcript variant (5).
Genome position (GRCh38, 1-based): chr16:2,079,353, C>G. VCF-style: chr16-2079353-C-G. GRCh37 (hg19) VCF-style: chr16-2129354-C-G.
Other names: c.3077C>G, p.Thr1026Arg (NM_001077183.3, NM_001370404.1, NM_001406665.1); c.3209C>G, p.Thr1070Arg (NM_001114382.3); c.2969C>G, p.Thr990Arg (NM_001318827.2); c.2933C>G, p.Thr978Arg (NM_001318829.2); c.2477C>G, p.Thr826Arg (NM_001318831.2, NM_001406687.1, NM_001406688.1); c.3110C>G, p.Thr1037Arg (NM_001318832.2); c.3080C>G, p.Thr1027Arg (NM_001363528.2, NM_001370405.1, NM_021055.3); c.3206C>G, p.Thr1069Arg (NM_001406663.1, NM_001406664.1); and 18 more; short protein forms T1020R, T1027R, T1033R, T1037R, T492R, T826R, T1023R, T1069R.
Identifiers: ClinVar variation 2626459 (VCV002626459.5), dbSNP rs147989574, ClinGen allele CA394285829.

ClinVar aggregate classification (germline): Uncertain significance. Review status: criteria provided, multiple submitters, no conflicts (2 of 4 stars). 2 submissions from 2 submitters: Uncertain significance (2). Last evaluated 2026-07-07.

Conditions:
Tuberous sclerosis 2 (TSC2). Identifiers: Orphanet 805, MedGen C1860707, MONDO:0013199, OMIM 613254.
Hereditary cancer-predisposing syndrome. Also called: Hereditary neoplastic syndrome; Hereditary Cancer Syndrome; Neoplastic Syndromes, Hereditary; Tumor predisposition. Identifiers: Orphanet 140162, MedGen C0027672, MeSH D009386, MONDO:0015356.

Submissions (2):

Ambry Genetics
Classification: Uncertain significance for Hereditary cancer-predisposing syndrome. Last evaluated: 2026-07-07. Review status: criteria provided, single submitter. Criteria: Ambry Variant Classification Scheme 2023. Collection method: clinical testing. Allele origin: germline.
Comment: The p.T1070R variant (also known as c.3209C>G), located in coding exon 27 of the TSC2 gene, results from a C to G substitution at nucleotide position 3209. The threonine at codon 1070 is replaced by arginine, an amino acid with similar properties. This amino acid position is conserved. In addition, this alteration is predicted to be deleterious by in silico analysis. Based on the available evidence, the clinical significance of this variant remains unclear.

Labcorp Genetics (formerly Invitae), Labcorp
Classification: Uncertain significance for Tuberous sclerosis 2. Last evaluated: 2024-03-06. Review status: criteria provided, single submitter. Criteria: Invitae Variant Classification Sherloc (09022015). Collection method: clinical testing. Allele origin: germline.
Comment: This sequence change replaces threonine, which is neutral and polar, with arginine, which is basic and polar, at codon 1070 of the TSC2 protein (p.Thr1070Arg). This variant is not present in population databases (gnomAD no frequency). This variant has not been reported in the literature in individuals affected with TSC2-related conditions. ClinVar contains an entry for this variant (Variation ID: 2626459). Advanced modeling of protein sequence and biophysical properties (such as structural, functional, and spatial information, amino acid conservation, physicochemical variation, residue mobility, and thermodynamic stability) has been performed at Invitae for this missense variant, however the output from this modeling did not meet the statistical confidence thresholds required to predict the impact of this variant on TSC2 protein function. In summary, the available evidence is currently insufficient to determine the role of this variant in disease. Therefore, it has been classified as a Variant of Uncertain Significance.